The following is an entry in ClinVar:

ClinVar aggregate classification (germline): Uncertain significance (1 of 4 stars; one submission).

Conditions:
Emery-Dreifuss muscular dystrophy 4, autosomal dominant (EDMD4). Also called: EMERY-DREIFUSS MUSCULAR DYSTROPHY 4 WITH VARIABLE FEATURES. Identifiers: Orphanet 261, MedGen C2751807, MONDO:0013071, OMIM 612998.
Autosomal recessive ataxia, Beauce type. Also called: SYNE1 Deficiency; Spinocerebellar ataxia, autosomal recessive 8; ATAXIA, RECESSIVE, OF BEAUCE; SYNE1-Related Autosomal Recessive Cerebellar Ataxia. Identifiers: Orphanet 88644, MedGen C1853116, MONDO:0012549, OMIM 610743.

Submission:

Labcorp Genetics (formerly Invitae), Labcorp
Classification: Uncertain significance for Emery-Dreifuss muscular dystrophy 4, autosomal dominant; Autosomal recessive ataxia, Beauce type. Last evaluated: 2023-06-06. Review status: criteria provided, single submitter. Criteria: Invitae Variant Classification Sherloc (09022015). Collection method: clinical testing. Allele origin: germline.
Comment: This variant has not been reported in the literature in individuals affected with SYNE1-related conditions. This variant is not present in population databases (gnomAD no frequency). This sequence change replaces alanine, which is neutral and non-polar, with valine, which is neutral and non-polar, at codon 65 of the SYNE1 protein (p.Ala65Val). In summary, the available evidence is currently insufficient to determine the role of this variant in disease. Therefore, it has been classified as a Variant of Uncertain Significance. An algorithm developed to predict the effect of missense changes on protein structure and function (PolyPhen-2) suggests that this variant is likely to be disruptive. ClinVar contains an entry for this variant (Variation ID: 1962533).

NM_182961.4(SYNE1):c.194C>T (p.Ala65Val)

Gene: SYNE1 (spectrin repeat containing nuclear envelope protein 1; minus strand). Cytogenetic location: 6q25.2.
Variant type: single nucleotide variant.
Coding change: c.194C>T on transcript NM_182961.4 (MANE Select); coding-DNA position 194, C replaced by T.
Protein change: p.Ala65Val; replaces alanine 65 with valine.
Molecular consequence: missense variant.
Genome position (GRCh38, 1-based): chr6:152,526,111, G>A on the plus strand (C>T on the coding strand, the complement: SYNE1 is on the minus strand). VCF-style: chr6-152526111-G-A. GRCh37 (hg19) VCF-style: chr6-152847246-G-A.
Other names: c.194C>T, p.Ala65Val (NM_033071.5); short protein forms A65V.
Identifiers: ClinVar variation 1962533 (VCV001962533.5), dbSNP rs1564640922, ClinGen allele CA366112814.